The following is an entry in ClinVar:

NM_003737.4(DCHS1):c.2211G>A (p.Glu737=)

Gene: DCHS1 (dachsous cadherin-related 1; minus strand). Cytogenetic location: 11p15.4.
Variant type: single nucleotide variant.
Coding change: c.2211G>A on transcript NM_003737.4 (MANE Select); coding-DNA position 2211, G replaced by A.
Protein change: p.Glu737=; no amino-acid change (glutamic acid 737 retained).
Molecular consequence: synonymous variant.
Genome position (GRCh38, 1-based): chr11:6,633,796, C>T on the plus strand (G>A on the coding strand, the complement: DCHS1 is on the minus strand). VCF-style: chr11-6633796-C-T. GRCh37 (hg19) VCF-style: chr11-6655027-C-T.
Identifiers: ClinVar variation 4084002 (VCV004084002.8).

ClinVar aggregate classification (germline): Likely benign (1 of 4 stars; one submission).

gnomAD v4.1: 1 of 1,613,132 alleles (0.000062%); highest among the groups gnomAD compares: Non-Finnish European, 0.000085%; no homozygotes.

Submission:

CeGaT Center for Human Genetics Tuebingen
Classification: Likely benign. Last evaluated: 2025-08-01. Review status: criteria provided, single submitter. Criteria: CeGaT Center For Human Genetics Tuebingen Variant Classification Criteria Version 2. Collection method: clinical testing. Allele origin: germline. Affected: yes. Observed: 1 variant allele.
Comment: DCHS1: BP4, BP7